The following is an entry in ClinVar:

ClinVar aggregate classification (germline): Likely benign (0 of 4 stars; one submission).

Conditions:
YTHDC2-related disorder. Also called: YTHDC2-related condition.

Allele frequency attached by ClinVar (database versions not stated): gnomAD 0.00038; TOPMed 0.00049; ExAC 0.00052; ESP Exome Variant Server 0.00062.
gnomAD v4.1: 719 of 1,614,072 alleles (0.045%); highest among the groups gnomAD compares: Middle Eastern, 0.25%; no homozygotes.

Submission:

PreventionGenetics, part of Exact Sciences
Classification: Likely benign for YTHDC2-related condition. Last evaluated: 2019-03-28. Review status: no assertion criteria provided. Collection method: clinical testing. Allele origin: germline.
Comment: This variant is classified as likely benign based on ACMG/AMP sequence variant interpretation guidelines (Richards et al. 2015 PMID: 25741868, with internal and published modifications).

NM_022828.5(YTHDC2):c.783C>T (p.Ala261=)

Gene: YTHDC2 (YTH N6-methyladenosine RNA binding protein C2; plus strand). Cytogenetic location: 5q22.2.
Variant type: single nucleotide variant.
Coding change: c.783C>T on transcript NM_022828.5 (MANE Select); coding-DNA position 783, C replaced by T.
Protein change: p.Ala261=; no amino-acid change (alanine 261 retained).
Molecular consequence: synonymous variant. On other transcripts: 5 prime UTR variant (1).
Genome position (GRCh38, 1-based): chr5:113,532,986, C>T. VCF-style: chr5-113532986-C-T. GRCh37 (hg19) VCF-style: chr5-112868683-C-T.
Other names: c.297C>T, p.Ala99= (NM_001345975.2); c.-118C>T (NM_001345976.2); c.783C>T (NM_022828.4).
Identifiers: ClinVar variation 3057587 (VCV003057587.2), dbSNP rs142475090, ClinGen allele CA3371565.